The following is an entry in ClinVar:

NM_005562.3(LAMC2):c.1220_1221del (p.Leu407fs)

Gene: LAMC2 (laminin subunit gamma 2; plus strand). Cytogenetic location: 1q25.3.
Variant type: Deletion.
Coding change: c.1220_1221del on transcript NM_005562.3 (MANE Select); coding-DNA positions 1220 to 1221, 2 bases deleted (TG; older notation c.1220_1221delTG).
Protein change: p.Leu407fs; shifts the reading frame from leucine 407.
Molecular consequence: frameshift variant.
Genome position (GRCh38, 1-based): chr1:183,226,851-183,226,852, TG deleted. VCF-style (leftmost placement, unchanged base first): chr1-183226850-CTG-C. GRCh37 (hg19) VCF-style: chr1-183195985-CTG-C.
Other names: c.1220_1221del, p.Leu407fs (NM_018891.3); short protein forms L407fs.
Identifiers: ClinVar variation 2024196 (VCV002024196.4), dbSNP rs2526060814, ClinGen allele CA2580061624.

ClinVar aggregate classification (germline): Pathogenic (1 of 4 stars; one submission).

Submission:

Labcorp Genetics (formerly Invitae), Labcorp
Classification: Pathogenic. Last evaluated: 2022-08-15. Review status: criteria provided, single submitter. Criteria: Invitae Variant Classification Sherloc (09022015). Collection method: clinical testing. Allele origin: germline.
Comment: For these reasons, this variant has been classified as Pathogenic. This variant has not been reported in the literature in individuals affected with LAMC2-related conditions. This variant is not present in population databases (gnomAD no frequency). This sequence change creates a premature translational stop signal (p.Leu407Argfs*10) in the LAMC2 gene. It is expected to result in an absent or disrupted protein product. Loss-of-function variants in LAMC2 are known to be pathogenic (PMID: 11907499, 16473856).

Literature cited by the submitters: PubMed 11907499; PubMed 16473856.